The following is an entry in ClinVar:

ClinVar aggregate classification (germline): Uncertain significance (1 of 4 stars; one submission).

Submission:

GeneDx
Classification: Uncertain significance. Last evaluated: 2016-01-07. Review status: criteria provided, single submitter. Criteria: GeneDx Variant Classification (06012015). Collection method: clinical testing. Allele origin: germline. Affected: yes.
Comment: A variant of uncertain significance has been identified in the EZH2 gene. The Q735X nonsense variant has not been published as a pathogenic variant, nor has it been reported as a benign variant to our knowledge. It was not observed in approximately 6,500 individuals of European and African American ancestry in the NHLBI Exome Sequencing Project, indicating it is not a common benign variant in these populations. The Q735X variant is predicted to cause loss of normal protein function through protein truncation as the last 17 amino acids of the EZH2 protein are lost. Truncating variants in nearby residues (Y733X, c.2204_2211dupAGGCTGAT) have been reported previously as de novo variants in individuals with Weaver syndrome (Tatton-Brown et al., 2011). Based on the currently available information, it is unclear whether this variant is a pathogenic variant or a rare benign variant.

NM_004456.5(EZH2):c.2203C>T (p.Gln735Ter)

Gene: EZH2 (enhancer of zeste 2 polycomb repressive complex 2 subunit; minus strand). Cytogenetic location: 7q36.1.
Variant type: single nucleotide variant.
Coding change: c.2203C>T on transcript NM_004456.5 (MANE Select); coding-DNA position 2203, C replaced by T.
Protein change: p.Gln735Ter; replaces glutamine 735 with a stop codon.
Molecular consequence: nonsense.
Genome position (GRCh38, 1-based): chr7:148,807,699, G>A on the plus strand (C>T on the coding strand, the complement: EZH2 is on the minus strand). VCF-style: chr7-148807699-G-A. GRCh37 (hg19) VCF-style: chr7-148504791-G-A.
Other names: c.2188C>T, p.Gln730Ter (NM_001203247.2); c.2161C>T, p.Gln721Ter (NM_001203248.2); c.2035C>T, p.Gln679Ter (NM_001203249.2); c.2071C>T, p.Gln691Ter (NM_152998.3); short protein forms Q735*, Q679*, Q721*, Q691*, Q730*.
Identifiers: ClinVar variation 488858 (VCV000488858.1), dbSNP rs1554479391, ClinGen allele CA369711846.